The following is an entry in ClinVar:

NM_000337.6(SGCD):c.10C>T (p.Gln4Ter)

Gene: SGCD (sarcoglycan delta; plus strand). Cytogenetic location: 5q33.3.
Variant type: single nucleotide variant.
Coding change: c.10C>T on transcript NM_000337.6 (MANE Select); coding-DNA position 10, C replaced by T.
Protein change: p.Gln4Ter; replaces glutamine 4 with a stop codon.
Molecular consequence: nonsense.
Genome position (GRCh38, 1-based): chr5:156,344,495, C>T. VCF-style: chr5-156344495-C-T. GRCh37 (hg19) VCF-style: chr5-155771505-C-T.
Other names: c.7C>T, p.Gln3Ter (NM_001128209.2); c.10C>T, p.Gln4Ter (NM_172244.3); short protein forms Q4*, Q3*.
Identifiers: ClinVar variation 1455950 (VCV001455950.7), dbSNP rs1768838504, ClinGen allele CA362007506.
Genomic context (GRCh38, chr5:156,344,495, plus strand): 5'-CTCTTCTCTCAGCGGTTTAATGTGAGTGCTTCTCTCTTGCCTCGTTTATTTCAGATGCCT[C>T]AGGAGCAGTACACTCACCACCGGAGCACCATGCCTGGCTCTGTGGGGCCACAGGTATACA-3'

ClinVar aggregate classification (germline): Pathogenic/Likely pathogenic. Review status: criteria provided, multiple submitters, no conflicts (2 of 4 stars). 2 submissions from 2 submitters: Pathogenic (1); Likely pathogenic (1). Last evaluated 2026-01-12.

Conditions:
Autosomal recessive limb-girdle muscular dystrophy type 2F (LGMDR6). Also called: Muscular dystrophy limb-girdle with delta-sarcoglyan deficiency; MUSCULAR DYSTROPHY, LIMB-GIRDLE, AUTOSOMAL RECESSIVE 6. Identifiers: Orphanet 219, MedGen C1832525, MONDO:0011028, OMIM 601287. Disease mechanism: Affects gamma-sarcoglycan and also disrupts the integrity of the entire sarcoglycan complex..
Dilated cardiomyopathy 1L (CMD1L). Identifiers: Orphanet 154, MedGen C1847667, MONDO:0011702, OMIM 606685.

Allele frequency attached by ClinVar (database versions not stated): gnomAD 0.00001.

Submissions (2):

Labcorp Genetics (formerly Invitae), Labcorp
Classification: Pathogenic for Autosomal recessive limb-girdle muscular dystrophy type 2F. Last evaluated: 2026-01-12. Review status: criteria provided, single submitter. Criteria: Invitae Variant Classification Sherloc (09022015). Collection method: clinical testing. Allele origin: germline.
Comment: This sequence change creates a premature translational stop signal (p.Gln4*) in the SGCD gene. It is expected to result in an absent or disrupted protein product. Loss-of-function variants in SGCD are known to be pathogenic (PMID: 8841194, 10735275, 10838250). This variant is not present in population databases (gnomAD no frequency). This variant has not been reported in the literature in individuals affected with SGCD-related conditions. ClinVar contains an entry for this variant (Variation ID: 1455950). For these reasons, this variant has been classified as Pathogenic.

Fulgent Genetics
Classification: Likely pathogenic for Autosomal recessive limb-girdle muscular dystrophy type 2F; Dilated cardiomyopathy 1L. Last evaluated: 2024-03-06. Review status: criteria provided, single submitter. Criteria: ACMG Guidelines, 2015. Collection method: clinical testing. Allele origin: germline.

Literature cited by the submitters: PubMed 8841194 (cited by Labcorp Genetics (formerly Invitae), Labcorp); PubMed 10735275 (cited by Labcorp Genetics (formerly Invitae), Labcorp); PubMed 10838250 (cited by Labcorp Genetics (formerly Invitae), Labcorp).